The following is an entry in ClinVar:

NM_000396.4(CTSK):c.244-1G>A

Gene: CTSK (cathepsin K; minus strand). Cytogenetic location: 1q21.3.
Variant type: single nucleotide variant.
Coding change: c.244-1G>A on transcript NM_000396.4 (MANE Select); the canonical splice acceptor site of the intron before coding-DNA position 244, G replaced by A.
Molecular consequence: splice acceptor variant.
Genome position (GRCh38, 1-based): chr1:150,806,017, C>T on the plus strand (G>A on the coding strand, the complement: CTSK is on the minus strand). VCF-style: chr1-150806017-C-T. GRCh37 (hg19) VCF-style: chr1-150778493-C-T.
Identifiers: ClinVar variation 1475109 (VCV001475109.6), dbSNP rs2101953359, ClinGen allele CA342337164.

ClinVar aggregate classification (germline): Likely pathogenic (1 of 4 stars; one submission).

Allele frequency attached by ClinVar (database versions not stated): gnomAD exomes below 0.00001.
gnomAD v4.1: 1 of 1,614,098 alleles (0.000062%); highest among the groups gnomAD compares: South Asian, 0.0011%; no homozygotes.

Submission:

Labcorp Genetics (formerly Invitae), Labcorp
Classification: Likely pathogenic. Last evaluated: 2021-07-03. Review status: criteria provided, single submitter. Criteria: Invitae Variant Classification Sherloc (09022015). Collection method: clinical testing. Allele origin: germline.
Comment: This variant is not present in population databases (ExAC no frequency). In summary, the currently available evidence indicates that the variant is pathogenic, but additional data are needed to prove that conclusively. Therefore, this variant has been classified as Likely Pathogenic. Algorithms developed to predict the effect of sequence changes on RNA splicing suggest that this variant may disrupt the consensus splice site. This variant has not been reported in the literature in individuals affected with CTSK-related conditions. This sequence change affects an acceptor splice site in intron 3 of the CTSK gene. It is expected to disrupt RNA splicing. Variants that disrupt the donor or acceptor splice site typically lead to a loss of protein function (PMID: 16199547), and loss-of-function variants in CTSK are known to be pathogenic (PMID: 12125807, 21569238).

Literature cited by the submitters: PubMed 16199547; PubMed 12125807; PubMed 21569238.